The following is an entry in ClinVar:

ClinVar aggregate classification (germline): Likely pathogenic (1 of 4 stars; one submission).

Submission:

GeneDx
Classification: Likely pathogenic. Last evaluated: 2016-06-30. Review status: criteria provided, single submitter. Criteria: GeneDx Variant Classification (06012015). Collection method: clinical testing. Allele origin: germline. Affected: yes.
Comment: The S364R variant has not been published as a pathogenic variant, nor has it been reported as a benign variant to our knowledge. It was not observed in approximately 6,500 individuals of European and African American ancestry in the NHLBI Exome Sequencing Project, indicating it is not a common benign variant in these populations. The S364R variant is a semi-conservative amino acid substitution, which may impact secondary protein structure as these residues differ in some properties. This substitution occurs at a conserved position predicted to be within the pore forming loop between the S5 and S6 transmembrane segments of the 1st homologous domain, and missense variants in nearby residues (N359T, N359I, T363P, D366E) have been reported in the Human Gene Mutation Database in association with SCN1A-related disorders (Stenson et al., 2014), supporting the functional importance of this region of the protein. In silico analysis predicts this variant is probably damaging to the protein structure/function. Therefore, this variant is likely pathogenic; however, the possibility that it is benign cannot be excluded.

NM_001165963.4(SCN1A):c.1090A>C (p.Ser364Arg)

Gene: SCN1A (sodium voltage-gated channel alpha subunit 1; minus strand). Cytogenetic location: 2q24.3.
Variant type: single nucleotide variant.
Coding change: c.1090A>C on transcript NM_001165963.4 (MANE Select); coding-DNA position 1090, A replaced by C.
Protein change: p.Ser364Arg; replaces serine 364 with arginine.
Molecular consequence: missense variant. On other transcripts: 5 prime UTR variant (1), non-coding transcript variant (1).
Genome position (GRCh38, 1-based): chr2:166,047,707, T>G on the plus strand (A>C on the coding strand, the complement: SCN1A is on the minus strand). VCF-style: chr2-166047707-T-G. GRCh37 (hg19) VCF-style: chr2-166904217-T-G.
Other names: c.1090A>C, p.Ser364Arg (NM_001165964.3, NM_001202435.3, NM_001353948.2 and 10 more transcripts); c.-1336A>C (NM_001353961.2); short protein forms S364R.
Identifiers: ClinVar variation 372950 (VCV000372950.1), dbSNP rs1057518094, ClinGen allele CA16042445.
Genomic context (GRCh38, chr2:166,047,707, plus strand): 5'-AGAAGTCCTGAGTCATTAGTCGAAACAAGGACAAAAAAGCCCAACTGAAGGTATCAAAGC[T>G]TGTGTAGCCATAATTGGGATTTCTACCAGCTTTCACACACATATATCCCTCTGGACATTG-3'
Protein context (NP_001159435.1, residues 354-374): AGRNPNYGYT[Ser364Arg]FDTFSWAFLS